The following is an entry in ClinVar:

NM_000431.4(MVK):c.389A>G (p.Asp130Gly)

Gene: MVK (mevalonate kinase; plus strand). Cytogenetic location: 12q24.11.
Variant type: single nucleotide variant.
Coding change: c.389A>G on transcript NM_000431.4 (MANE Select); coding-DNA position 389, A replaced by G.
Protein change: p.Asp130Gly; replaces aspartic acid 130 with glycine.
Molecular consequence: missense variant. On other transcripts: 5 prime UTR variant (1), non-coding transcript variant (3), intron variant (2).
Genome position (GRCh38, 1-based): chr12:109,581,412, A>G. VCF-style: chr12-109581412-A-G. GRCh37 (hg19) VCF-style: chr12-110019217-A-G.
Other names: c.389A>G, p.Asp130Gly (NM_001114185.3, NM_001414511.1, NM_001414512.1 and 1 more transcripts); c.-194A>G (NM_001414515.1); c.371+1466A>G (NM_001414514.1, NM_001301182.2); short protein forms D130G.
Identifiers: ClinVar variation 4790906 (VCV004790906.2).

ClinVar aggregate classification (germline): Uncertain significance. Review status: criteria provided, multiple submitters, no conflicts (2 of 4 stars). 2 submissions from 2 submitters: Uncertain significance (2). Last evaluated 2025-08-11.

Conditions:
Porokeratosis 3, disseminated superficial actinic type (POROK3). Also called: POROKERATOSIS, DISSEMINATED SUPERFICIAL ACTINIC, 1; POROKERATOSIS 3, MULTIPLE TYPES; POROKERATOSIS 3, MIBELLI TYPE. Identifiers: MedGen C1867981, MONDO:0008293, OMIM 175900.
Mevalonic aciduria (MEVA). Identifiers: Orphanet 29, MedGen C1959626, MONDO:0012481, OMIM 610377.
Hyperimmunoglobulin D with periodic fever (HIDS). Also called: HYPERIMMUNOGLOBULINEMIA D AND PERIODIC FEVER SYNDROME; Hyperimmunoglobulinemia D; Hyperimmunoglobulinemia D with periodic fever. Identifiers: Orphanet 343, MedGen C0398691, MONDO:0009849, OMIM 260920.

gnomAD v4.1: 7 of 1,613,840 alleles (0.00043%); highest among the groups gnomAD compares: Non-Finnish European, 0.00051%; no homozygotes.

Submissions (2):

Labcorp Genetics (formerly Invitae), Labcorp
Classification: Uncertain significance for Mevalonic aciduria; Hyperimmunoglobulin D with periodic fever; Porokeratosis 3, disseminated superficial actinic type. Last evaluated: 2025-08-11. Review status: criteria provided, single submitter. Criteria: Invitae Variant Classification Sherloc (09022015). Collection method: clinical testing. Allele origin: germline.
Comment: This sequence change replaces aspartic acid, which is acidic and polar, with glycine, which is neutral and non-polar, at codon 130 of the MVK protein (p.Asp130Gly). This variant is present in population databases (rs777238601, gnomAD 0.0009%). This variant has not been reported in the literature in individuals affected with MVK-related conditions. Invitae Evidence Modeling of protein sequence and biophysical properties (such as structural, functional, and spatial information, amino acid conservation, physicochemical variation, residue mobility, and thermodynamic stability) indicates that this missense variant is expected to disrupt MVK protein function with a positive predictive value of 95%. In summary, the available evidence is currently insufficient to determine the role of this variant in disease. Therefore, it has been classified as a Variant of Uncertain Significance.

Blueprint Genetics
Classification: Uncertain significance. Last evaluated: 2024-01-17. Review status: criteria provided, single submitter. Criteria: ACMG Guidelines, 2015. Collection method: clinical testing. Allele origin: germline.